The following is an entry in ClinVar:

ClinVar aggregate classification (germline): Uncertain significance. Review status: criteria provided, multiple submitters, no conflicts (2 of 4 stars). 3 submissions from 3 submitters: Uncertain significance (3). Last evaluated 2025-03-13.

Conditions:
Familial melanoma. Also called: Hereditary melanoma; Hereditary cutaneous melanoma. Identifiers: Orphanet 618, MedGen C1512419, MONDO:0018961.
Hereditary cancer-predisposing syndrome. Also called: Tumor predisposition; Neoplastic Syndromes, Hereditary; Hereditary Cancer Syndrome; Hereditary neoplastic syndrome. Identifiers: Orphanet 140162, MedGen C0027672, MeSH D009386, MONDO:0015356.

Allele frequency attached by ClinVar (database versions not stated): gnomAD exomes below 0.00001.
gnomAD v4.1: 6 of 1,613,992 alleles (0.00037%); highest among the groups gnomAD compares: Non-Finnish European, 0.00051%; no homozygotes.

Submissions (3):

Labcorp Genetics (formerly Invitae), Labcorp
Classification: Uncertain significance for Familial melanoma. Last evaluated: 2025-03-13. Review status: criteria provided, single submitter. Criteria: Invitae Variant Classification Sherloc (09022015). Collection method: clinical testing. Allele origin: germline.
Comment: This sequence change replaces glutamic acid, which is acidic and polar, with alanine, which is neutral and non-polar, at codon 56 of the CDK4 protein (p.Glu56Ala). This variant is not present in population databases (gnomAD no frequency). This variant has not been reported in the literature in individuals affected with CDK4-related conditions. ClinVar contains an entry for this variant (Variation ID: 1311713). Invitae Evidence Modeling of protein sequence and biophysical properties (such as structural, functional, and spatial information, amino acid conservation, physicochemical variation, residue mobility, and thermodynamic stability) indicates that this missense variant is expected to disrupt CDK4 protein function with a positive predictive value of 95%. Experimental studies have shown that this missense change affects CDK4 function (PMID: 9660926). In summary, the available evidence is currently insufficient to determine the role of this variant in disease. Therefore, it has been classified as a Variant of Uncertain Significance.

Ambry Genetics
Classification: Uncertain significance for Hereditary cancer-predisposing syndrome. Last evaluated: 2022-11-28. Review status: criteria provided, single submitter. Criteria: Ambry Variant Classification Scheme 2023. Collection method: clinical testing. Allele origin: germline.
Comment: The p.E56A variant (also known as c.167A>C), located in coding exon 1 of the CDK4 gene, results from an A to C substitution at nucleotide position 167. The glutamic acid at codon 56 is replaced by alanine, an amino acid with dissimilar properties. This amino acid position is highly conserved in available vertebrate species. In addition, the in silico prediction for this alteration is inconclusive. Since supporting evidence is limited at this time, the clinical significance of this alteration remains unclear.

GeneDx
Classification: Uncertain significance. Last evaluated: 2019-12-27. Review status: criteria provided, single submitter. Criteria: GeneDx Variant Classification Process June 2021. Collection method: clinical testing. Allele origin: germline. Affected: yes.
Comment: Not observed in large population cohorts (Lek et al., 2016); In silico analysis, which includes protein predictors and evolutionary conservation, supports a deleterious effect; Published functional studies demonstrate weak binding with p16 (Byeon 1998); This variant is associated with the following publications: (PMID: 9228064, 9660926)

Literature cited by the submitters: PubMed 9660926 (cited by Labcorp Genetics (formerly Invitae), Labcorp).

NM_000075.4(CDK4):c.167A>C (p.Glu56Ala)

Genes: CDK4 (cyclin dependent kinase 4; minus strand), LOC130008148 (ATAC-STARR-seq lymphoblastoid silent region 4588; plus strand). Cytogenetic location: 12q14.1.
Variant type: single nucleotide variant.
Coding change: c.167A>C on transcript NM_000075.4 (MANE Select); coding-DNA position 167, A replaced by C.
Protein change: p.Glu56Ala; replaces glutamic acid 56 with alanine.
Molecular consequence: missense variant.
Genome position (GRCh38, 1-based): chr12:57,751,551, T>G on the plus strand (A>C on the coding strand, the complement: CDK4 is on the minus strand). VCF-style: chr12-57751551-T-G. GRCh37 (hg19) VCF-style: chr12-58145334-T-G.
Other names: c.167A>C (NM_000075.3); short protein forms E56A.
Identifiers: ClinVar variation 1311713 (VCV001311713.5), dbSNP rs2140388266, ClinGen allele CA385548623.